The following is an entry in ClinVar:

ClinVar aggregate classification (germline): Uncertain significance (1 of 4 stars; one submission).

Conditions:
Cardiovascular phenotype. Identifiers: MedGen CN230736.

Submission:

Ambry Genetics
Classification: Uncertain significance for Cardiovascular phenotype. Last evaluated: 2026-06-18. Review status: criteria provided, single submitter. Criteria: Ambry Variant Classification Scheme 2023. Collection method: clinical testing. Allele origin: germline.
Comment: The p.V145M variant (also known as c.433G>A), located in coding exon 3 of the TBX1 gene, results from a G to A substitution at nucleotide position 433. The valine at codon 145 is replaced by methionine, an amino acid with highly similar properties. This amino acid position is conserved. In addition, this alteration is predicted to be deleterious by in silico analysis. Based on the available evidence, the clinical significance of this variant remains unclear.

NM_001379200.1(TBX1):c.460G>A (p.Val154Met)

Gene: TBX1 (T-box transcription factor 1; plus strand). Cytogenetic location: 22q11.21.
Variant type: single nucleotide variant.
Coding change: c.460G>A on transcript NM_001379200.1 (MANE Select); coding-DNA position 460, G replaced by A.
Protein change: p.Val154Met; replaces valine 154 with methionine.
Molecular consequence: missense variant.
Genome position (GRCh38, 1-based): chr22:19,763,263, G>A. VCF-style: chr22-19763263-G-A. GRCh37 (hg19) VCF-style: chr22-19750786-G-A.
Other names: c.433G>A, p.Val145Met (NM_005992.1, NM_080646.2, NM_080647.1); short protein forms V154M, V145M.
Identifiers: ClinVar variation 5030532 (VCV005030532.1).